The following is an entry in ClinVar:

ClinVar aggregate classification (germline): Pathogenic. Review status: criteria provided, multiple submitters, no conflicts (2 of 4 stars). 2 submissions from 2 submitters: Pathogenic (2). Last evaluated 2022-06-23.

Conditions:
Axenfeld-Rieger syndrome type 3 (RIEG3). Also called: AXENFELD-RIEGER ANOMALY WITH CARDIAC DEFECTS AND/OR SENSORINEURAL HEARING LOSS. Identifiers: Orphanet 782, MedGen C2678503, MONDO:0011233, OMIM 602482.

Submissions (2):

Genomics, Genetics and Epigenetics Laboratory, Medical College of Wisconsin
Classification: Pathogenic for Axenfeld-Rieger syndrome type 3. Last evaluated: 2022-06-23. Review status: criteria provided, single submitter. Criteria: ACMG Guidelines, 2015. Collection method: research. Allele origin: germline. Affected: yes. Observed: 2 variant alleles.

GeneDx
Classification: Pathogenic. Last evaluated: 2017-10-10. Review status: criteria provided, single submitter. Criteria: GeneDx Variant Classification (06012015). Collection method: clinical testing. Allele origin: germline. Affected: yes.
Comment: The S82R pathogenic variant in the FOXC1 gene has not been reported previously as a pathogenic variant, nor as a benign variant, to our knowledge. This variant has been identified in several patients with Axenfeld-Rieger anomaly referred for genetic testing at GeneDx. The S82R variant is not observed in large population cohorts (Lek et al., 2016). The S82R variant is a semi-conservative amino acid substitution, which may impact secondary protein structure as these residues differ in some properties. This substitution occurs at a position in the forkhead DNA-binding domain that is conserved across species, and in silico analysis predicts this variant is probably damaging to the protein structure/function. Another missense variant at this codon (S82T) has been reported in association with Axenfeld-Rieger anomaly (Mears et al., 1998), as have missense variants in nearby residues (P79T/L/R, A85P, I87M) in the Human Gene Mutation Database (Stenson et al., 2014), supporting the functional importance of this region of the protein. We interpret S82R as a pathogenic variant.

Literature cited by the submitters: PubMed 35882526 (cited by Genomics, Genetics and Epigenetics Laboratory, Medical College of Wisconsin).

NM_001453.3(FOXC1):c.246C>G (p.Ser82Arg)

Genes: FOXC1 (forkhead box C1; plus strand), LOC129995601 (ATAC-STARR-seq lymphoblastoid active region 23864; plus strand). Cytogenetic location: 6p25.3.
Variant type: single nucleotide variant.
Coding change: c.246C>G on transcript NM_001453.3 (MANE Select); coding-DNA position 246, C replaced by G.
Protein change: p.Ser82Arg; replaces serine 82 with arginine.
Molecular consequence: missense variant.
Genome position (GRCh38, 1-based): chr6:1,610,691, C>G. VCF-style: chr6-1610691-C-G. GRCh37 (hg19) VCF-style: chr6-1610926-C-G.
Other names: short protein forms S82R.
Identifiers: ClinVar variation 265158 (VCV000265158.20), dbSNP rs376405759, ClinGen allele CA10588415.